The following is an entry in ClinVar:

NM_020937.4(FANCM):c.3544C>T (p.Leu1182Phe)

Gene: FANCM (FA complementation group M; plus strand). Cytogenetic location: 14q21.2.
Variant type: single nucleotide variant.
Coding change: c.3544C>T on transcript NM_020937.4 (MANE Select); coding-DNA position 3544, C replaced by T.
Protein change: p.Leu1182Phe; replaces leucine 1182 with phenylalanine.
Molecular consequence: missense variant.
Genome position (GRCh38, 1-based): chr14:45,176,298, C>T. VCF-style: chr14-45176298-C-T. GRCh37 (hg19) VCF-style: chr14-45645501-C-T.
Other names: c.3466C>T, p.Leu1156Phe (NM_001308133.2); short protein forms L1156F, L1182F.
Identifiers: ClinVar variation 1407825 (VCV001407825.9), dbSNP rs1180319315, ClinGen allele CA389601991.

ClinVar aggregate classification (germline): Uncertain significance. Review status: criteria provided, multiple submitters, no conflicts (2 of 4 stars). 2 submissions from 2 submitters: Uncertain significance (2). Last evaluated 2023-06-09.

Conditions:
Fanconi anemia (FA). Also called: Fanconi's anemia. Identifiers: Orphanet 84, MedGen C0015625, MeSH D005199, MONDO:0019391.
Spermatogenic failure 28. Identifiers: MedGen C4748117, MONDO:0054732, OMIM 618086.
Premature ovarian failure 15. Identifiers: MedGen C4748170, MONDO:0054862, OMIM 618096.

Allele frequency attached by ClinVar (database versions not stated): gnomAD exomes below 0.00001; gnomAD 0.00003; TOPMed 0.00004.

Submissions (2):

Labcorp Genetics (formerly Invitae), Labcorp
Classification: Uncertain significance for Fanconi anemia. Last evaluated: 2023-06-09. Review status: criteria provided, single submitter. Criteria: Invitae Variant Classification Sherloc (09022015). Collection method: clinical testing. Allele origin: germline.
Comment: ClinVar contains an entry for this variant (Variation ID: 1407825). This variant has not been reported in the literature in individuals affected with FANCM-related conditions. This variant is present in population databases (no rsID available, gnomAD 0.008%). This sequence change replaces leucine, which is neutral and non-polar, with phenylalanine, which is neutral and non-polar, at codon 1182 of the FANCM protein (p.Leu1182Phe). An algorithm developed to predict the effect of missense changes on protein structure and function (PolyPhen-2) suggests that this variant is likely to be disruptive. In summary, the available evidence is currently insufficient to determine the role of this variant in disease. Therefore, it has been classified as a Variant of Uncertain Significance.

Fulgent Genetics
Classification: Uncertain significance for Spermatogenic failure 28; Premature ovarian failure 15. Last evaluated: 2022-02-08. Review status: criteria provided, single submitter. Criteria: ACMG Guidelines, 2015. Collection method: clinical testing. Allele origin: unknown.